The following is an entry in ClinVar:

NM_000135.4(FANCA):c.79+6T>C

Genes: FANCA (FA complementation group A; minus strand), LOC112486223 (Sharpr-MPRA regulatory region 3988; plus strand). Cytogenetic location: 16q24.3.
Variant type: single nucleotide variant.
Coding change: c.79+6T>C on transcript NM_000135.4 (MANE Select); 6 bases into the intron after coding-DNA position 79, T replaced by C.
Molecular consequence: intron variant.
Genome position (GRCh38, 1-based): chr16:89,816,531, A>G on the plus strand (T>C on the coding strand, the complement: FANCA is on the minus strand). VCF-style: chr16-89816531-A-G. GRCh37 (hg19) VCF-style: chr16-89882939-A-G.
Other names: c.79+6T>C (NM_001286167.3, NM_001351830.2, NM_001018112.3).
Identifiers: ClinVar variation 2729377 (VCV002729377.3), dbSNP rs1242535596, ClinGen allele CA2241943102.

ClinVar aggregate classification (germline): Uncertain significance (1 of 4 stars; one submission).

Conditions:
Fanconi anemia (FA). Also called: Fanconi's anemia. Identifiers: Orphanet 84, MedGen C0015625, MeSH D005199, MONDO:0019391.

Allele frequency attached by ClinVar (database versions not stated): TOPMed below 0.00001.
gnomAD v4.1: 4 of 1,491,166 alleles (0.00027%); highest among the groups gnomAD compares: Non-Finnish European, 0.00027%; no homozygotes.

Submission:

Labcorp Genetics (formerly Invitae), Labcorp
Classification: Uncertain significance for Fanconi anemia. Last evaluated: 2023-03-22. Review status: criteria provided, single submitter. Criteria: Invitae Variant Classification Sherloc (09022015). Collection method: clinical testing. Allele origin: germline.
Comment: This sequence change falls in intron 1 of the FANCA gene. It does not directly change the encoded amino acid sequence of the FANCA protein. It affects a nucleotide within the consensus splice site. This variant is not present in population databases (gnomAD no frequency). This variant has not been reported in the literature in individuals affected with FANCA-related conditions. Variants that disrupt the consensus splice site are a relatively common cause of aberrant splicing (PMID: 17576681, 9536098). Algorithms developed to predict the effect of sequence changes on RNA splicing suggest that this variant is not likely to affect RNA splicing. In summary, the available evidence is currently insufficient to determine the role of this variant in disease. Therefore, it has been classified as a Variant of Uncertain Significance.

Literature cited by the submitters: PubMed 17576681; PubMed 9536098.